The following is an entry in ClinVar:

NM_207037.2(TCF12):c.956C>G (p.Ser319Ter)

Gene: TCF12 (transcription factor 12; plus strand). Cytogenetic location: 15q21.3.
Variant type: single nucleotide variant.
Coding change: c.956C>G on transcript NM_207037.2 (MANE Select); coding-DNA position 956, C replaced by G.
Protein change: p.Ser319Ter; replaces serine 319 with a stop codon.
Molecular consequence: nonsense.
Genome position (GRCh38, 1-based): chr15:57,232,842, C>G. VCF-style: chr15-57232842-C-G. GRCh37 (hg19) VCF-style: chr15-57525040-C-G.
Other names: c.446C>G, p.Ser149Ter (NM_001306219.3, NM_207040.2); c.248C>G, p.Ser83Ter (NM_001306220.3); c.956C>G, p.Ser319Ter (NM_001322151.2, NM_001322152.2, NM_001322157.3 and 7 more transcripts); c.299C>G, p.Ser100Ter (NM_001322154.2); c.782C>G, p.Ser261Ter (NM_001322156.2, NM_001322158.2); c.992C>G, p.Ser331Ter (NM_001322164.2); short protein forms S100*, S149*, S261*, S319*, S331*, S83*.
Identifiers: ClinVar variation 5042039 (VCV005042039.1).
Genomic context (GRCh38, chr15:57,232,842, plus strand): 5'-GCGGCAGTACCAGCAGTTCACCTTACGTTGCTGCCTCACACACTCCTCCCATCAATGGAT[C>G]AGACAGCATTCTAGGTGAGCTTTTTGAGTTGGCAAAACTTCCTAAAAGTTTGTGGACTTT-3'

ClinVar aggregate classification (germline): Pathogenic (1 of 4 stars; one submission).

Conditions:
TCF12-related craniosynostosis. Also called: Craniosynostosis 3. Identifiers: Orphanet 35098, Orphanet 35099, Orphanet 672979, MedGen C3715051, MONDO:0014128, OMIM 615314.

Submission:

Clinical Genetics Laboratory, University Hospital Schleswig-Holstein
Classification: Pathogenic for TCF12-related craniosynostosis. Last evaluated: 2025-04-17. Review status: criteria provided, single submitter. Criteria: ACMG Guidelines, 2015. Collection method: clinical testing. Allele origin: maternal. Affected: yes. Observed: 1 heterozygote.
Comment: ACMG criteria applied: PM2, PVS1